The following is an entry in ClinVar:

NM_000443.4(ABCB4):c.2646del (p.Arg884fs)

Gene: ABCB4 (ATP binding cassette subfamily B member 4; minus strand). Cytogenetic location: 7q21.12.
Variant type: Deletion.
Coding change: c.2646del on transcript NM_000443.4 (MANE Select); coding-DNA position 2646, one base deleted (C; older notation c.2646delC).
Protein change: p.Arg884fs; shifts the reading frame from arginine 884.
Molecular consequence: frameshift variant.
Genome position (GRCh38, 1-based): chr7:87,417,348, G deleted on the plus strand (C on the coding strand, the reverse complement: ABCB4 is on the minus strand); the first of 2 consecutive G bases (chr7:87,417,348-87,417,349); deleting either gives the same sequence. VCF-style (leftmost placement, unchanged base first): chr7-87417347-TG-T. GRCh37 (hg19) VCF-style: chr7-87046663-TG-T.
Other names: c.2646del, p.Arg884fs (NM_018849.3, NM_018850.3); short protein forms R884fs.
Identifiers: ClinVar variation 5019791 (VCV005019791.2).

ClinVar aggregate classification (germline): Likely pathogenic (1 of 4 stars; one submission).

Conditions:
Progressive familial intrahepatic cholestasis type 3. Also called: MDR3 DEFICIENCY; Low Gamma-GT Familial Intrahepatic Cholestasis. Identifiers: Orphanet 79305, MedGen C1865643, MONDO:0011214, OMIM 602347.
Cholestasis, intrahepatic, of pregnancy, 3. Identifiers: Orphanet 69665, MedGen C3554241, MONDO:0013995, OMIM 614972.
Low phospholipid associated cholelithiasis (GBD1). Also called: Gallstone cholecystitis; Gallbladder disease 1. Identifiers: Orphanet 69663, MedGen C2609268, MONDO:0010939, OMIM 600803.

Submission:

Juno Genomics, Hangzhou Juno Genomics, Inc
Classification: Likely pathogenic for Cholestasis, intrahepatic, of pregnancy, 3; Progressive familial intrahepatic cholestasis type 3; Low phospholipid associated cholelithiasis. Review status: criteria provided, single submitter. Criteria: ACMG Guidelines, 2015. Collection method: clinical testing. Allele origin: germline.
Comment: Absent from controls (or at extremely low frequency if recessive) in Genome Aggregation Database.;Null variant in a gene where loss of function (LOF) is a known mechanism of disease.